The following is an entry in ClinVar:

ClinVar aggregate classification (germline): Uncertain significance. Review status: criteria provided, multiple submitters, no conflicts (2 of 4 stars). 2 submissions from 2 submitters: Uncertain significance (2). Last evaluated 2025-05-28.

Conditions:
Immunodeficiency 104. Also called: Severe combined immunodeficiency, autosomal recessive, T cell-negative, B cell-positive, NK cell-positive; SCID, AUTOSOMAL RECESSIVE, T CELL-NEGATIVE, B CELL-POSITIVE, NK CELL-POSITIVE; Severe Combined Immune Deficiency, Autosomal Recessive, TCell -Negative, B Cell-Positive, NK Cell-Positive, IL7R-Related; IMMUNODEFICIENCY 104, SEVERE COMBINED. Identifiers: MedGen C5676890, MONDO:0012163, OMIM 608971.
Inborn genetic diseases. Identifiers: MedGen C0950123, MeSH D030342.

Allele frequency attached by ClinVar (database versions not stated): gnomAD exomes below 0.00001 and 0.00002; ExAC 0.00003; gnomAD 0.00003; TOPMed 0.00004; ESP Exome Variant Server 0.00008.
gnomAD v4.1: 6 of 1,605,020 alleles (0.00037%); highest among the groups gnomAD compares: African/African-American, 0.008%; no homozygotes.

Submissions (2):

Ambry Genetics
Classification: Uncertain significance for Inborn genetic diseases. Last evaluated: 2025-05-28. Review status: criteria provided, single submitter. Criteria: Ambry Variant Classification Scheme 2023. Collection method: clinical testing. Allele origin: germline.

Labcorp Genetics (formerly Invitae), Labcorp
Classification: Uncertain significance for Immunodeficiency 104. Last evaluated: 2021-08-31. Review status: criteria provided, single submitter. Criteria: Invitae Variant Classification Sherloc (09022015). Collection method: clinical testing. Allele origin: germline.
Comment: This sequence change replaces asparagine with lysine at codon 931 of the PTPRC protein (p.Asn931Lys). The asparagine residue is highly conserved and there is a moderate physicochemical difference between asparagine and lysine. This variant is present in population databases (rs149625776, ExAC 0.03%). This variant has not been reported in the literature in individuals affected with PTPRC-related conditions. Algorithms developed to predict the effect of missense changes on protein structure and function (SIFT, PolyPhen-2, Align-GVGD) all suggest that this variant is likely to be disruptive. In summary, the available evidence is currently insufficient to determine the role of this variant in disease. Therefore, it has been classified as a Variant of Uncertain Significance.

NM_002838.5(PTPRC):c.2793C>A (p.Asn931Lys)

Gene: PTPRC (protein tyrosine phosphatase receptor type C; plus strand). Cytogenetic location: 1q32.1.
Variant type: single nucleotide variant.
Coding change: c.2793C>A on transcript NM_002838.5 (MANE Select); coding-DNA position 2793, C replaced by A.
Protein change: p.Asn931Lys; replaces asparagine 931 with lysine.
Molecular consequence: missense variant.
Genome position (GRCh38, 1-based): chr1:198,744,149, C>A. VCF-style: chr1-198744149-C-A. GRCh37 (hg19) VCF-style: chr1-198713278-C-A.
Other names: c.2310C>A, p.Asn770Lys (NM_080921.4); c.2787C>A (NM_002838.3); short protein forms N931K, N770K.
Identifiers: ClinVar variation 533065 (VCV000533065.7), dbSNP rs149625776, ClinGen allele CA1315242.
Genomic context (GRCh38, chr1:198,744,149, plus strand): 5'-ATACAATCAGTTTGGAGAAACAGAAGTGAATTTGTCTGAATTACATCCATATCTACATAA[C>A]ATGAAGAAAAGGGATCCACCCAGTGAGCCGTCTCCACTAGAGGCTGAATTCCAGGTAATG-3'
Protein context (NP_002829.3, residues 921-941): NLSELHPYLH[Asn931Lys]MKKRDPPSEP